The following is an entry in ClinVar:

ClinVar aggregate classification (germline): Uncertain significance. Review status: criteria provided, multiple submitters, no conflicts (2 of 4 stars). 2 submissions from 2 submitters: Uncertain significance (2). Last evaluated 2026-04-07.

Conditions:
Radio-Tartaglia syndrome. Identifiers: Orphanet 662234, MedGen C5543339, MONDO:0859143, OMIM 619312.

gnomAD v4.1: 2 of 1,614,232 alleles (0.00012%); highest among the groups gnomAD compares: Admixed American, 0.0017%; no homozygotes.

Submissions (2):

Women's Health and Genetics/Laboratory Corporation of America, LabCorp
Classification: Uncertain significance. Last evaluated: 2026-04-07. Review status: criteria provided, single submitter. Criteria: LabCorp Variant Classification Summary - May 2015. Collection method: clinical testing. Allele origin: germline.
Comment: Variant summary: SPEN c.4909G>T (p.Val1637Phe) results in a non-conservative amino acid change in the encoded protein sequence. Algorithms developed to predict the effect of missense changes on protein structure and function are either unavailable or do not agree on the potential impact of this missense change. The variant was absent in 251470 control chromosomes. The available data on variant occurrences in the general population are insufficient to allow any conclusion about variant significance. To our knowledge, no occurrence of c.4909G>T in individuals affected with SPEN-related conditions and no experimental evidence demonstrating its impact on protein function have been reported. ClinVar contains an entry for this variant (Variation ID: 1696701). Based on the evidence outlined above, the variant was classified as uncertain significance.

New York Genome Center
Classification: Uncertain significance for Radio-Tartaglia syndrome. Last evaluated: 2021-08-06. Review status: criteria provided, single submitter. Criteria: NYGC Assertion Criteria 2020. Collection method: clinical testing. Allele origin: inherited. Observed: 1 heterozygote. Study: CSER-NYCKidSeq.

NM_015001.3(SPEN):c.4909G>T (p.Val1637Phe)

Gene: SPEN (spen family transcriptional repressor; plus strand). Cytogenetic location: 1p36.13.
Variant type: single nucleotide variant.
Coding change: c.4909G>T on transcript NM_015001.3 (MANE Select); coding-DNA position 4909, G replaced by T.
Protein change: p.Val1637Phe; replaces valine 1637 with phenylalanine.
Molecular consequence: missense variant.
Genome position (GRCh38, 1-based): chr1:15,931,149, G>T. VCF-style: chr1-15931149-G-T. GRCh37 (hg19) VCF-style: chr1-16257644-G-T.
Other names: short protein forms V1637F.
Identifiers: ClinVar variation 1696701 (VCV001696701.2), dbSNP rs746087066, ClinGen allele CA338618558.